The following is an entry in ClinVar:

NM_015214.3(DDHD2):c.1648A>G (p.Met550Val)

Gene: DDHD2 (DDHD domain containing 2; plus strand). Cytogenetic location: 8p11.23.
Variant type: single nucleotide variant.
Coding change: c.1648A>G on transcript NM_015214.3 (MANE Select); coding-DNA position 1648, A replaced by G.
Protein change: p.Met550Val; replaces methionine 550 with valine.
Molecular consequence: missense variant. On other transcripts: non-coding transcript variant (2).
Genome position (GRCh38, 1-based): chr8:38,252,752, A>G. VCF-style: chr8-38252752-A-G. GRCh37 (hg19) VCF-style: chr8-38110270-A-G.
Other names: c.1648A>G, p.Met550Val (NM_001164232.2, NM_001362911.2, NM_001362912.2 and 1 more transcripts); c.1558A>G, p.Met520Val (NM_001362913.2); short protein forms M550V, M520V.
Identifiers: ClinVar variation 434910 (VCV000434910.9), dbSNP rs187350175, ClinGen allele CA4716333.

ClinVar aggregate classification (germline): Uncertain significance. Review status: criteria provided, multiple submitters, no conflicts (2 of 4 stars). 3 submissions from 3 submitters: Uncertain significance (3). Last evaluated 2025-10-15.

Conditions:
Hereditary spastic paraplegia 54. Also called: Spastic paraplegia 54, autosomal recessive. Identifiers: Orphanet 320380, MedGen C3539495, MONDO:0014018, OMIM 615033.
Inborn genetic diseases. Identifiers: MedGen C0950123, MeSH D030342.

Allele frequency attached by ClinVar (database versions not stated): TOPMed 0.00002; gnomAD 0.00001; ESP Exome Variant Server 0.00008.

Submissions (3):

Ambry Genetics
Classification: Uncertain significance for Inborn genetic diseases. Last evaluated: 2025-10-15. Review status: criteria provided, single submitter. Criteria: Ambry Variant Classification Scheme 2023. Collection method: clinical testing. Allele origin: germline.

Labcorp Genetics (formerly Invitae), Labcorp
Classification: Uncertain significance for Hereditary spastic paraplegia 54. Last evaluated: 2022-10-05. Review status: criteria provided, single submitter. Criteria: Invitae Variant Classification Sherloc (09022015). Collection method: clinical testing. Allele origin: germline.
Comment: This sequence change replaces methionine, which is neutral and non-polar, with valine, which is neutral and non-polar, at codon 550 of the DDHD2 protein (p.Met550Val). This variant is present in population databases (rs187350175, gnomAD 0.002%). This missense change has been observed in individual(s) with clinical features of DDHD2-related conditions (Invitae). ClinVar contains an entry for this variant (Variation ID: 434910). Advanced modeling of protein sequence and biophysical properties (such as structural, functional, and spatial information, amino acid conservation, physicochemical variation, residue mobility, and thermodynamic stability) performed at Invitae indicates that this missense variant is not expected to disrupt DDHD2 protein function. In summary, the available evidence is currently insufficient to determine the role of this variant in disease. Therefore, it has been classified as a Variant of Uncertain Significance.

Genetic Services Laboratory, University of Chicago
Classification: Uncertain significance. Last evaluated: 2015-09-21. Review status: criteria provided, single submitter. Criteria: ACMG Guidelines, 2015. Collection method: clinical testing. Allele origin: germline. Affected: no.